The following is an entry in ClinVar:

ClinVar aggregate classification (germline): Likely benign (1 of 4 stars; one submission).

Allele frequency attached by ClinVar (database versions not stated): gnomAD exomes 0.00003; TOPMed 0.00003; gnomAD 0.00004; ExAC 0.00006; ESP Exome Variant Server 0.00009.
gnomAD v4.1: 40 of 1,210,047 alleles (0.0033%); highest among the groups gnomAD compares: Non-Finnish European, 0.0039%; no homozygotes.

Submission:

CeGaT Center for Human Genetics Tuebingen
Classification: Likely benign. Last evaluated: 2023-01-01. Review status: criteria provided, single submitter. Criteria: CeGaT Center For Human Genetics Tuebingen Variant Classification Criteria Version 2. Collection method: clinical testing. Allele origin: germline. Affected: yes. Observed: 1 variant allele.
Comment: IRS4: BP4, BP7

NM_001379150.1(IRS4):c.3300C>G (p.Val1100=)

Gene: IRS4 (insulin receptor substrate 4; minus strand). Cytogenetic location: Xq22.3.
Variant type: single nucleotide variant.
Coding change: c.3300C>G on transcript NM_001379150.1 (MANE Select); coding-DNA position 3300, C replaced by G.
Protein change: p.Val1100=; no amino-acid change (valine 1100 retained).
Molecular consequence: synonymous variant.
Genome position (GRCh38, 1-based): chrX:108,733,045, G>C on the plus strand (C>G on the coding strand, the complement: IRS4 is on the minus strand). VCF-style: chrX-108733045-G-C. GRCh37 (hg19) VCF-style: chrX-107976275-G-C.
Other names: c.3300C>G, p.Val1100= (NM_003604.2).
Identifiers: ClinVar variation 2661173 (VCV002661173.24), dbSNP rs373443693, ClinGen allele CA10489553.